The following is an entry in ClinVar:

NM_002929.3(GRK1):c.*2T>C

Gene: GRK1 (G protein-coupled receptor kinase 1; plus strand). Cytogenetic location: 13q34.
Variant type: single nucleotide variant.
Coding change: c.*2T>C on transcript NM_002929.3 (MANE Select); 2 bases downstream of the stop codon, T replaced by C.
Molecular consequence: 3 prime UTR variant.
Genome position (GRCh38, 1-based): chr13:113,735,365, T>C. VCF-style: chr13-113735365-T-C. GRCh37 (hg19) VCF-style: chr13-114438338-T-C.
Identifiers: ClinVar variation 3053999 (VCV003053999.2), dbSNP rs779191497, ClinGen allele CA7066385.

ClinVar aggregate classification (germline): Likely benign (0 of 4 stars; one submission).

Conditions:
GRK1-related disorder. Also called: GRK1-related condition.

Allele frequency attached by ClinVar (database versions not stated): gnomAD 0.00001; gnomAD exomes 0.00001; TOPMed 0.00001; ExAC 0.00016.

Submission:

PreventionGenetics, part of Exact Sciences
Classification: Likely benign for GRK1-related condition. Last evaluated: 2020-04-15. Review status: no assertion criteria provided. Collection method: clinical testing. Allele origin: germline.
Comment: This variant is classified as likely benign based on ACMG/AMP sequence variant interpretation guidelines (Richards et al. 2015 PMID: 25741868, with internal and published modifications).